The following is an entry in ClinVar:

ClinVar aggregate classification (germline): Uncertain significance. Review status: criteria provided, multiple submitters, no conflicts (2 of 4 stars). 2 submissions from 2 submitters: Uncertain significance (2). Last evaluated 2023-12-30.

Conditions:
DK1-congenital disorder of glycosylation. Also called: CONGENITAL DISORDER OF GLYCOSYLATION, TYPE Im; CDG Im; DK1 DEFICIENCY; DOLICHOL KINASE DEFICIENCY; DOLK-congenital disorder of glycosylation; Carbohydrate deficient glycoprotein syndrome type 1m. Identifiers: Orphanet 91131, MedGen C1835849, MONDO:0012556, OMIM 610768.
Cardiovascular phenotype. Identifiers: MedGen CN230736.

Submissions (2):

Ambry Genetics
Classification: Uncertain significance for Cardiovascular phenotype. Last evaluated: 2023-12-30. Review status: criteria provided, single submitter. Criteria: Ambry Variant Classification Scheme 2023. Collection method: clinical testing. Allele origin: germline.
Comment: The p.G414D variant (also known as c.1241G>A), located in coding exon 1 of the DOLK gene, results from a G to A substitution at nucleotide position 1241. The glycine at codon 414 is replaced by aspartic acid, an amino acid with similar properties. This amino acid position is conserved. In addition, this alteration is predicted to be deleterious by in silico analysis. Since supporting evidence is limited at this time, the clinical significance of this alteration remains unclear.

Labcorp Genetics (formerly Invitae), Labcorp
Classification: Uncertain significance for Congenital disorder of glycosylation type 1M. Last evaluated: 2019-06-25. Review status: criteria provided, single submitter. Criteria: Invitae Variant Classification Sherloc (09022015). Collection method: clinical testing. Allele origin: germline.
Comment: This sequence change replaces glycine with aspartic acid at codon 414 of the DOLK protein (p.Gly414Asp). The glycine residue is highly conserved and there is a moderate physicochemical difference between glycine and aspartic acid. This variant is not present in population databases (ExAC no frequency). This variant has not been reported in the literature in individuals with DOLK-related disease. Algorithms developed to predict the effect of missense changes on protein structure and function do not agree on the potential impact of this missense change (SIFT: "Deleterious"; PolyPhen-2: "Probably Damaging"; Align-GVGD: "Class C0"). In summary, the available evidence is currently insufficient to determine the role of this variant in disease. Therefore, it has been classified as a Variant of Uncertain Significance.

NM_014908.4(DOLK):c.1241G>A (p.Gly414Asp)

Gene: DOLK (dolichol kinase; minus strand). Cytogenetic location: 9q34.11.
Variant type: single nucleotide variant.
Coding change: c.1241G>A on transcript NM_014908.4 (MANE Select); coding-DNA position 1241, G replaced by A.
Protein change: p.Gly414Asp; replaces glycine 414 with aspartic acid.
Molecular consequence: missense variant.
Genome position (GRCh38, 1-based): chr9:128,946,063, C>T on the plus strand (G>A on the coding strand, the complement: DOLK is on the minus strand). VCF-style: chr9-128946063-C-T. GRCh37 (hg19) VCF-style: chr9-131708342-C-T.
Other names: short protein forms G414D.
Identifiers: ClinVar variation 532846 (VCV000532846.3), dbSNP rs1554826737, ClinGen allele CA375118827.